The following is an entry in ClinVar:

ClinVar aggregate classification (germline): Uncertain significance (1 of 4 stars; one submission).

Conditions:
Familial adenomatous polyposis 1 (FAP1). Also called: FAMILIAL ADENOMATOUS POLYPOSIS 1, ATTENUATED; POLYPOSIS, ADENOMATOUS INTESTINAL. Identifiers: MedGen C2713442, MONDO:0021056, OMIM 175100. Disease mechanism: loss of function.

Submission:

Labcorp Genetics (formerly Invitae), Labcorp
Classification: Uncertain significance for Familial adenomatous polyposis 1. Last evaluated: 2021-03-21. Review status: criteria provided, single submitter. Criteria: Invitae Variant Classification Sherloc (09022015). Collection method: clinical testing. Allele origin: germline.
Comment: This variant has not been reported in the literature in individuals with APC-related conditions. This sequence change replaces glutamic acid with glutamine at codon 176 of the APC protein (p.Glu176Gln). The glutamic acid residue is highly conserved and there is a small physicochemical difference between glutamic acid and glutamine. This variant is not present in population databases (ExAC no frequency). Algorithms developed to predict the effect of missense changes on protein structure and function are either unavailable or do not agree on the potential impact of this missense change (SIFT: "Deleterious"; PolyPhen-2: "Probably Damaging"; Align-GVGD: "Class C0"). In summary, the available evidence is currently insufficient to determine the role of this variant in disease. Therefore, it has been classified as a Variant of Uncertain Significance.

NM_000038.6(APC):c.526G>C (p.Glu176Gln)

Gene: APC (APC regulator of Wnt signaling pathway; plus strand). Cytogenetic location: 5q22.2.
Variant type: single nucleotide variant.
Coding change: c.526G>C on transcript NM_000038.6 (MANE Select); coding-DNA position 526, G replaced by C.
Protein change: p.Glu176Gln; replaces glutamic acid 176 with glutamine.
Molecular consequence: missense variant. On other transcripts: 5 prime UTR variant (1).
Genome position (GRCh38, 1-based): chr5:112,775,732, G>C. VCF-style: chr5-112775732-G-C. GRCh37 (hg19) VCF-style: chr5-112111429-G-C.
Other names: c.526G>C, p.Glu176Gln (NM_001127510.3, NM_001354895.2, NM_001354896.2 and 2 more transcripts); c.556G>C, p.Glu186Gln (NM_001127511.3, NM_001354897.2, NM_001354902.2); c.451G>C, p.Glu151Gln (NM_001354898.2, NM_001354904.2); c.349G>C, p.Glu117Gln (NM_001354900.2, NM_001354901.2, NM_001354905.2); c.-510G>C (NM_001354906.2); short protein forms E186Q, E117Q, E151Q, E176Q.
Identifiers: ClinVar variation 1516877 (VCV001516877.8), dbSNP rs2149616219, ClinGen allele CA16022476.